The following is an entry in ClinVar:

NM_000135.4(FANCA):c.3626+5G>T

Gene: FANCA (FA complementation group A; minus strand). Cytogenetic location: 16q24.3.
Variant type: single nucleotide variant.
Coding change: c.3626+5G>T on transcript NM_000135.4 (MANE Select); 5 bases into the intron after coding-DNA position 3626, G replaced by T.
Molecular consequence: intron variant.
Genome position (GRCh38, 1-based): chr16:89,744,954, C>A on the plus strand (G>T on the coding strand, the complement: FANCA is on the minus strand). VCF-style: chr16-89744954-C-A. GRCh37 (hg19) VCF-style: chr16-89811362-C-A.
Other names: c.3626+5G>T (NM_001286167.3).
Identifiers: ClinVar variation 3625270 (VCV003625270.2).

ClinVar aggregate classification (germline): Uncertain significance (1 of 4 stars; one submission).

Conditions:
Fanconi anemia (FA). Also called: Fanconi's anemia. Identifiers: Orphanet 84, MedGen C0015625, MeSH D005199, MONDO:0019391.

Submission:

Labcorp Genetics (formerly Invitae), Labcorp
Classification: Uncertain significance for Fanconi anemia. Last evaluated: 2024-04-25. Review status: criteria provided, single submitter. Criteria: Invitae Variant Classification Sherloc (09022015). Collection method: clinical testing. Allele origin: germline.
Comment: This sequence change falls in intron 36 of the FANCA gene. It does not directly change the encoded amino acid sequence of the FANCA protein. It affects a nucleotide within the consensus splice site. The frequency data for this variant in the population databases is considered unreliable, as metrics indicate poor data quality at this position in the gnomAD database. This variant has not been reported in the literature in individuals affected with FANCA-related conditions. Variants that disrupt the consensus splice site are a relatively common cause of aberrant splicing (PMID: 17576681, 9536098). Algorithms developed to predict the effect of sequence changes on RNA splicing suggest that this variant may disrupt the consensus splice site. In summary, the available evidence is currently insufficient to determine the role of this variant in disease. Therefore, it has been classified as a Variant of Uncertain Significance.

Literature cited by the submitters: PubMed 17576681; PubMed 9536098.